The following is an entry in ClinVar:

ClinVar aggregate classification (germline): Conflicting classifications of pathogenicity. Review status: criteria provided, conflicting classifications (1 of 4 stars). 2 submissions from 2 submitters: Uncertain significance (1); Likely benign (1). Last evaluated 2025-07-22.

gnomAD v4.1: 8 of 1,611,666 alleles (0.0005%); highest among the groups gnomAD compares: South Asian, 0.0044%; no homozygotes.

Submissions (2):

Labcorp Genetics (formerly Invitae), Labcorp
Classification: Likely benign. Last evaluated: 2025-07-22. Review status: criteria provided, single submitter. Criteria: Invitae Variant Classification Sherloc (09022015). Collection method: clinical testing. Allele origin: germline.

GeneDx
Classification: Uncertain significance. Last evaluated: 2024-09-26. Review status: criteria provided, single submitter. Criteria: GeneDx Variant Classification Process June 2021. Collection method: clinical testing. Allele origin: germline. Affected: yes.
Comment: In silico analysis supports that this missense variant has a deleterious effect on protein structure/function; Has not been previously published as pathogenic or benign to our knowledge

NM_002473.6(MYH9):c.4973G>A (p.Arg1658His)

Gene: MYH9 (myosin heavy chain 9; minus strand). Cytogenetic location: 22q12.3.
Variant type: single nucleotide variant.
Coding change: c.4973G>A on transcript NM_002473.6 (MANE Select); coding-DNA position 4973, G replaced by A.
Protein change: p.Arg1658His; replaces arginine 1658 with histidine.
Molecular consequence: missense variant.
Genome position (GRCh38, 1-based): chr22:36,286,806, C>T on the plus strand (G>A on the coding strand, the complement: MYH9 is on the minus strand). VCF-style: chr22-36286806-C-T. GRCh37 (hg19) VCF-style: chr22-36682852-C-T.
Other names: short protein forms R1658H.
Identifiers: ClinVar variation 3774640 (VCV003774640.2).